The following is an entry in ClinVar:

NM_001042492.3(NF1):c.2439_2452dup (p.Ser818fs)

Gene: NF1 (neurofibromin 1; plus strand). Cytogenetic location: 17q11.2.
Variant type: Duplication.
Coding change: c.2439_2452dup on transcript NM_001042492.3 (MANE Select); coding-DNA positions 2439 to 2452, 14 bases duplicated (TAAGAGGCGAATGT).
Protein change: p.Ser818fs; shifts the reading frame from serine 818.
Molecular consequence: frameshift variant.
Genome position (GRCh38, 1-based): chr17:31,229,054-31,229,067, TAAGAGGCGAATGT duplicated; duplicating any 14 consecutive bases within chr17:31,229,051-31,229,067 gives the same sequence; the c. name uses the placement nearest the transcript's 3' end. VCF-style (leftmost placement, unchanged base first): chr17-31229050-T-TTGTTAAGAGGCGAA. GRCh37 (hg19) VCF-style: chr17-29556068-T-TTGTTAAGAGGCGAA.
Other names: c.2439_2452dup, p.Ser818fs (NM_000267.4); short protein forms S818fs.
Identifiers: ClinVar variation 4690226 (VCV004690226.1).

ClinVar aggregate classification (germline): Likely pathogenic (1 of 4 stars; one submission).

Conditions:
Neurofibromatosis, type 1 (NF1). Also called: Peripheral type neurofibromatosis; VON RECKLINGHAUSEN DISEASE; Neurofibromatosis, type I; NEUROFIBROMATOSIS, TYPE I, SOMATIC. Identifiers: Orphanet 636, MedGen C0027831, MONDO:0018975, OMIM 162200. Disease mechanism: loss of function.

Submission:

EVOGEN
Classification: Likely pathogenic for Neurofibromatosis, type 1. Last evaluated: 2025-04-28. Review status: criteria provided, single submitter. Criteria: ACMG Guidelines, 2015. Collection method: clinical testing. Allele origin: germline. Affected: yes.
Comment: PVS1: Null variant (frame-shift) in gene NF1, predicted to cause NMD. Loss-of-function is a known mechanism of disease (gene has 4 912 reported pathogenic LOF variants). The exon contains 240 pathogenic variants. The truncated region contains 3 911 pathogenic variants. PM2: Variant not found in gnomAD genomes, good gnomAD genomes coverage = 31.0. Variant not found in gnomAD exomes, good gnomAD exomes coverage = 33.0. Moscow City Health Department financial support